The following is an entry in ClinVar:

ClinVar aggregate classification (germline): Uncertain significance (1 of 4 stars; one submission).

Conditions:
Severe early-onset pulmonary alveolar proteinosis due to MARS deficiency. Also called: PULMONARY ALVEOLAR PROTEINOSIS, REUNION ISLAND; Interstitial lung and liver disease. Identifiers: Orphanet 440427, MedGen C4225400, MONDO:0014206, OMIM 615486.
Charcot-Marie-Tooth disease axonal type 2U. Also called: CHARCOT-MARIE-TOOTH NEUROPATHY, TYPE 2U; CHARCOT-MARIE-TOOTH DISEASE, AXONAL, AUTOSOMAL DOMINANT, TYPE 2U. Identifiers: Orphanet 397735, MedGen C4084821, MONDO:0014566, OMIM 616280.

Submission:

Labcorp Genetics (formerly Invitae), Labcorp
Classification: Uncertain significance for Charcot-Marie-Tooth disease axonal type 2U; Severe early-onset pulmonary alveolar proteinosis due to MARS deficiency. Last evaluated: 2024-09-06. Review status: criteria provided, single submitter. Criteria: Invitae Variant Classification Sherloc (09022015). Collection method: clinical testing. Allele origin: germline.
Comment: This sequence change replaces leucine, which is neutral and non-polar, with valine, which is neutral and non-polar, at codon 202 of the MARS protein (p.Leu202Val). This variant is not present in population databases (gnomAD no frequency). This variant has not been reported in the literature in individuals affected with MARS-related conditions. An algorithm developed to predict the effect of missense changes on protein structure and function (PolyPhen-2) suggests that this variant is likely to be tolerated. In summary, the available evidence is currently insufficient to determine the role of this variant in disease. Therefore, it has been classified as a Variant of Uncertain Significance.

NM_004990.4(MARS1):c.604C>G (p.Leu202Val)

Gene: MARS1 (methionyl-tRNA synthetase 1; plus strand). Cytogenetic location: 12q13.3.
Variant type: single nucleotide variant.
Coding change: c.604C>G on transcript NM_004990.4 (MANE Select); coding-DNA position 604, C replaced by G.
Protein change: p.Leu202Val; replaces leucine 202 with valine.
Molecular consequence: missense variant.
Genome position (GRCh38, 1-based): chr12:57,490,320, C>G. VCF-style: chr12-57490320-C-G. GRCh37 (hg19) VCF-style: chr12-57884103-C-G.
Other names: short protein forms L202V.
Identifiers: ClinVar variation 3760291 (VCV003760291.2).